The following is an entry in ClinVar:

NM_003982.4(SLC7A7):c.713C>T (p.Ser238Phe)

Gene: SLC7A7 (solute carrier family 7 member 7; minus strand). Cytogenetic location: 14q11.2.
Variant type: single nucleotide variant.
Coding change: c.713C>T on transcript NM_003982.4 (MANE Select); coding-DNA position 713, C replaced by T.
Protein change: p.Ser238Phe; replaces serine 238 with phenylalanine.
Molecular consequence: missense variant.
Genome position (GRCh38, 1-based): chr14:22,778,850, G>A on the plus strand (C>T on the coding strand, the complement: SLC7A7 is on the minus strand). VCF-style: chr14-22778850-G-A. GRCh37 (hg19) VCF-style: chr14-23248059-G-A.
Other names: c.713C>T, p.Ser238Phe (NM_001126105.3, NM_001126106.4); short protein forms S238F.
Identifiers: ClinVar variation 56376 (VCV000056376.18), dbSNP rs386833823, ClinGen allele CA263840.

ClinVar aggregate classification (germline): Pathogenic/Likely pathogenic. Review status: criteria provided, multiple submitters, no conflicts (2 of 4 stars). 7 submissions from 7 submitters: Pathogenic (5); Likely pathogenic (1). 1 of the submissions does not count toward it. Last evaluated 2025-09-02.

Conditions:
Lysinuric protein intolerance (LPI). Identifiers: Orphanet 470, MedGen C0268647, MONDO:0009109, OMIM 222700.

Allele frequency attached by ClinVar (database versions not stated): TOPMed below 0.00001.

Submissions (7):

Natera, Inc.
Classification: Pathogenic for Lysinuric protein intolerance. Last evaluated: 2025-09-02. Review status: criteria provided, single submitter. Criteria: Natera Variant Classification Schema (03/2026). Collection method: clinical testing. Allele origin: germline.
Comment: The c.713C>T variant in SLC7A7 is a missense variant predicted to cause substitution of serine to phenylalanine at amino acid 238. This variant is rare in the general population with a frequency below the threshold expected for the associated phenotype(s). This variant has been observed in one or more individuals affected with the associated recessive disease, as either homozygous or compound heterozygous with a second variant (PMID: 12402335). Computational prediction algorithms indicate this variant is likely to affect gene or protein function. Given the available evidence, this variant is classified as Pathogenic.

Women's Health and Genetics/Laboratory Corporation of America, LabCorp
Classification: Pathogenic for Lysinuric protein intolerance. Last evaluated: 2025-03-26. Review status: criteria provided, single submitter. Criteria: LabCorp Variant Classification Summary - May 2015. Collection method: clinical testing. Allele origin: germline.
Comment: Variant summary: SLC7A7 c.713C>T (p.Ser238Phe) results in a non-conservative amino acid change in the encoded protein sequence. Five of five in-silico tools predict a damaging effect of the variant on protein function. The variant was absent in 251476 control chromosomes (gnomAD). c.713C>T has been reported in the literature in multiple individuals affected with Lysinuric Protein Intolerance (e.g. Shoji_2002). These data indicate that the variant is very likely to be associated with disease. The following publication has been ascertained in the context of this evaluation (PMID: 12402335). ClinVar contains an entry for this variant (Variation ID: 56376). Based on the evidence outlined above, the variant was classified as pathogenic.

Labcorp Genetics (formerly Invitae), Labcorp
Classification: Pathogenic for Lysinuric protein intolerance. Last evaluated: 2023-09-08. Review status: criteria provided, single submitter. Criteria: Invitae Variant Classification Sherloc (09022015). Collection method: clinical testing. Allele origin: germline.
Comment: This sequence change replaces serine, which is neutral and polar, with phenylalanine, which is neutral and non-polar, at codon 238 of the SLC7A7 protein (p.Ser238Phe). This variant is not present in population databases (gnomAD no frequency). This missense change has been observed in individual(s) with lysinuric protein intolerance (PMID: 12402335, 31427715). It is commonly reported in individuals of Japanese ancestry (PMID: 26865117). ClinVar contains an entry for this variant (Variation ID: 56376). An algorithm developed to predict the effect of missense changes on protein structure and function (PolyPhen-2) suggests that this variant is likely to be tolerated. For these reasons, this variant has been classified as Pathogenic.

GeneDx
Classification: Likely pathogenic. Last evaluated: 2022-05-09. Review status: criteria provided, single submitter. Criteria: GeneDx Variant Classification Process June 2021. Collection method: clinical testing. Allele origin: germline. Affected: yes.
Comment: Not observed at significant frequency in large population cohorts (gnomAD); In silico analysis supports that this missense variant has a deleterious effect on protein structure/function; This variant is associated with the following publications: (PMID: 16966712, 32901917, 31427715, 26865117, Seo2019[preprint], 12402335, 17764084)

Genome-Nilou Lab
Classification: Pathogenic for Lysinuric protein intolerance. Last evaluated: 2021-11-07. Review status: criteria provided, single submitter. Criteria: ACMG Guidelines, 2015. Collection method: clinical testing. Allele origin: germline. Affected: no.

3billion
Classification: Pathogenic for Lysinuric protein intolerance. Last evaluated: 2021-10-02. Review status: criteria provided, single submitter. Criteria: ACMG Guidelines, 2015. Collection method: clinical testing. Allele origin: maternal. Affected: yes. Observed: 1 homozygote.
Comment: Same nucleotide change resulting in same amino acid change has been previously reported as pathogenic/likely pathogeic with strong evidence (ClinVar ID: VCV000056376.3, PMID:26865117, PS1). It is not observed in the gnomAD v2.1.1 dataset (PM2). The variant has been reported to be located within a uniparental isodisomy (UPD) region of maternal chromosome 6 and (PMID: 31427715), and each parent has also been observed to be heterozygous for the variant (PMID 12402335, PM3). In silico tool predictions suggest damaging effect of the variant on gene or gene product (REVEL: 0.959, 3Cnet: 0.883, PP3). Patient's phenotype is considered compatible with Lysinuric protein intolerance (3billion dataset, PP4). Therefore, this variant is classified as pathogenic according to the recommendation of ACMG/AMP guideline.

Juha Muilu Group; Institute for Molecular Medicine Finland (FIMM)
Classification: Likely pathogenic for Lysinuric protein intolerance. Review status: no assertion criteria provided. Collection method: not provided. Allele origin: unknown. Not counted in ClinVar's aggregate classification.
Comment: FinDis database variant: This variant was not found or characterized by our laboratory, data were collected from public sources: see reference
ClinVar note: Converted during submission from probable-pathogenic to Likely pathogenic.

Literature cited by the submitters: PubMed 12402335 (cited by 4 submitters); PubMed 31427715 (cited by Labcorp Genetics (formerly Invitae), Labcorp and 3billion); PubMed 26865117 (cited by Labcorp Genetics (formerly Invitae), Labcorp and 3billion).